The following is an entry in ClinVar:

NM_025152.3(NUBPL):c.376T>C (p.Ser126Pro)

Gene: NUBPL (NUBP iron-sulfur cluster assembly factor, mitochondrial; plus strand). Cytogenetic location: 14q12.
Variant type: single nucleotide variant.
Coding change: c.376T>C on transcript NM_025152.3 (MANE Select); coding-DNA position 376, T replaced by C.
Protein change: p.Ser126Pro; replaces serine 126 with proline.
Molecular consequence: missense variant. On other transcripts: non-coding transcript variant (1).
Genome position (GRCh38, 1-based): chr14:31,599,373, T>C. VCF-style: chr14-31599373-T-C. GRCh37 (hg19) VCF-style: chr14-32068579-T-C.
Other names: c.88T>C, p.Ser30Pro (NM_001201573.2); short protein forms S126P, S30P.
Identifiers: ClinVar variation 214883 (VCV000214883.2), dbSNP rs863224125, ClinGen allele CA322051.

ClinVar aggregate classification (germline): Uncertain significance (1 of 4 stars; one submission).

Submission:

GeneDx
Classification: Uncertain significance. Last evaluated: 2014-06-23. Review status: criteria provided, single submitter. Criteria: GeneDx Variant Classification (06012015). Collection method: clinical testing. Allele origin: germline. Affected: yes.
Comment: p.Ser126Pro (TCA>CCA): c.376 T>C in exon 4 of the NUBPL gene (NM_025152.2). The S126P variant has not been published as a mutation, nor has it been reported as a benign polymorphism to our knowledge. The S126P variant is a non-conservative amino acid substitution, which is likely to impact secondary protein structure as these residues differ in polarity, charge, size and/or other properties. This substitution occurs at a position that is conserved in mammals. In silico analysis predicts this variant is probably damaging to the protein structure/function. Based on the currently available information, it is unclear whether this variant is a pathogenic mutation or a rare benign variant. The variant is found in MITONUC-MITOP panel(s).